The following is an entry in ClinVar:

NM_000441.2(SLC26A4):c.170C>A (p.Ser57Ter)

Gene: SLC26A4 (solute carrier family 26 member 4; plus strand). Cytogenetic location: 7q22.3.
Variant type: single nucleotide variant.
Coding change: c.170C>A on transcript NM_000441.2 (MANE Select); coding-DNA position 170, C replaced by A.
Protein change: p.Ser57Ter; replaces serine 57 with a stop codon.
Molecular consequence: nonsense.
Genome position (GRCh38, 1-based): chr7:107,663,301, C>A. VCF-style: chr7-107663301-C-A. GRCh37 (hg19) VCF-style: chr7-107303746-C-A.
Other names: short protein forms S57*.
Identifiers: ClinVar variation 1075541 (VCV001075541.20), dbSNP rs111033200, ClinGen allele CA4432386.

ClinVar aggregate classification (germline): Pathogenic. Review status: criteria provided, multiple submitters, no conflicts (2 of 4 stars). 8 submissions from 8 submitters: Pathogenic (8). Last evaluated 2025-12-09.

Conditions:
Pendred syndrome (PDS). Also called: Pendred Syndrome (PDS); DEAFNESS WITH GOITER; THYROID DYSHORMONOGENESIS 2B; THYROID HORMONOGENESIS, GENETIC DEFECT IN, 2B; GOITER-DEAFNESS SYNDROME; HYPOTHYROIDISM, CONGENITAL, DUE TO DYSHORMONOGENESIS, 2B. Identifiers: Orphanet 705, MedGen C0271829, MONDO:0010134, OMIM 274600.
Autosomal recessive nonsyndromic hearing loss 4 (DFNB4). Also called: FOXI1-Related Pendred Syndrome; KCNJ10-Related Pendred Syndrome; Enlarged vestibular aqueduct, digenic; NEUROSENSORY NONSYNDROMIC RECESSIVE DEAFNESS 4; DEAFNESS, AUTOSOMAL RECESSIVE 4, WITH ENLARGED VESTIBULAR AQUEDUCT, DIGENIC; Nonsyndromic enlarged vestibular aqueduct (NSEVA). Identifiers: Orphanet 90636, MedGen C3538946, MONDO:0010933, OMIM 600791.
Rare genetic deafness. Identifiers: Orphanet 96210, MedGen C5680250.

Allele frequency attached by ClinVar (database versions not stated): ExAC 0.00001; gnomAD exomes 0.00001.
gnomAD v4.1: 8 of 1,614,146 alleles (0.0005%); highest among the groups gnomAD compares: South Asian, 0.0077%; no homozygotes.

Submissions (8):

Genetics Research Center, University of Social Welfare and Rehabilitation Sciences
Classification: Pathogenic for Autosomal recessive nonsyndromic hearing loss 4. Last evaluated: 2025-12-09. Review status: criteria provided, single submitter. Criteria: ACMG Guidelines, 2015. Collection method: research. Allele origin: germline. Affected: yes.
Comment: The variant is present at a very low frequency in the gnomAD v2.1.1 dataset (allele frequency: 0.001%). It is a stop-gain mutation expected to disrupt normal protein function either through nonsense-mediated decay (NMD) or by producing a truncated protein. Previous studies have reported its association with SLC26A4-related hearing loss (PMID: 25372295, 28964290, 12676893, 25394566, 26252218, 26445815, 16283880).

Revvity Omics, Revvity
Classification: Pathogenic. Last evaluated: 2024-04-16. Review status: criteria provided, single submitter. Criteria: ACMG Guidelines, 2015. Collection method: clinical testing. Allele origin: germline.

Fulgent Genetics
Classification: Pathogenic for Pendred syndrome; Autosomal recessive nonsyndromic hearing loss 4. Last evaluated: 2024-03-14. Review status: criteria provided, single submitter. Criteria: ACMG Guidelines, 2015. Collection method: clinical testing. Allele origin: germline.

Natera, Inc.
Classification: Pathogenic for Pendred syndrome. Last evaluated: 2024-02-23. Review status: criteria provided, single submitter. Criteria: Natera Variant Classification Schema (03/2026). Collection method: clinical testing. Allele origin: germline.
Comment: The c.170C>A variant in SLC26A4 is a nonsense variant predicted to introduce a stop codon at amino acid 57. This variant is expected to result in nonsense mediated decay, truncation, or a dysfunctional protein product. This variant is rare in the general population with a frequency below the threshold expected for the associated phenotype(s). This variant has been observed in one or more individuals affected with the associated recessive disease, as either homozygous or compound heterozygous with a second variant (PMID: 33152970, 34943614, 25372295, 23504402, 12676893). Given the available evidence, this variant is classified as Pathogenic.

Baylor Genetics
Classification: Pathogenic for Autosomal recessive nonsyndromic hearing loss 4. Last evaluated: 2023-11-16. Review status: criteria provided, single submitter. Criteria: ACMG Guidelines, 2015. Collection method: clinical testing. Allele origin: unknown.

Labcorp Genetics (formerly Invitae), Labcorp
Classification: Pathogenic. Last evaluated: 2023-11-13. Review status: criteria provided, single submitter. Criteria: Invitae Variant Classification Sherloc (09022015). Collection method: clinical testing. Allele origin: germline.
Comment: This sequence change creates a premature translational stop signal (p.Ser57*) in the SLC26A4 gene. It is expected to result in an absent or disrupted protein product. Loss-of-function variants in SLC26A4 are known to be pathogenic (PMID: 16283880, 25394566, 26252218, 26445815). This variant is present in population databases (rs111033200, gnomAD 0.01%). This premature translational stop signal has been observed in individual(s) with deafness (PMID: 12676893, 25372295, 28964290). ClinVar contains an entry for this variant (Variation ID: 1075541). For these reasons, this variant has been classified as Pathogenic.

Laboratory for Molecular Medicine, Mass General Brigham Personalized Medicine
Classification: Pathogenic for Rare genetic deafness. Last evaluated: 2022-08-26. Review status: criteria provided, single submitter. Criteria: ACMG Guidelines, 2015. Collection method: clinical testing. Allele origin: germline.
Comment: The p.Ser57X variant in SLC26A4 has been reported in 1 individual with hearing loss and was compound heterozygous with a second pathogenic variant (Park 2003 PMID: 12676893), and it was absent from large population databases. This nonsense variant leads to a premature termination codon at position 57, which is predicted to lead to a truncated or absent protein. Loss of function of SLC26A4 is an established disease mechanism for autosomal recessive Pendred syndrome. In summary, this variant meets criteria to be classified as pathogenic for autosomal recessive Pendred syndrome. ACMG/AMP criteria applied: PVS1, PM3, PM2_Supporting.

3billion
Classification: Pathogenic for Autosomal recessive nonsyndromic hearing loss 4. Last evaluated: 2022-05-22. Review status: criteria provided, single submitter. Criteria: ACMG Guidelines, 2015. Collection method: clinical testing. Allele origin: germline. Affected: yes. Observed: 1 homozygote.
Comment: Stop-gained (nonsense): predicted to result in a loss or disruption of normal protein function through nonsense-mediated decay (NMD) or protein truncation. Multiple pathogenic variants are reported downstream of the variant. This variant has been reported as pathogenic more than twice (ClinVar: VCV001075541, PMID:12676893). It has been reported with an extremely low frequency in the gnomAD v2.1.1 dataset. Therefore, this variant is classified as pathogenic according to the recommendation of ACMG/AMP guideline.

Literature cited by the submitters: PubMed 26445815 (cited by Genetics Research Center, University of Social Welfare and Rehabilitation Sciences and Labcorp Genetics (formerly Invitae), Labcorp); PubMed 25372295 (cited by 3 submitters); PubMed 28964290 (cited by Genetics Research Center, University of Social Welfare and Rehabilitation Sciences and Labcorp Genetics (formerly Invitae), Labcorp); PubMed 12676893 (cited by 4 submitters); PubMed 25394566 (cited by Genetics Research Center, University of Social Welfare and Rehabilitation Sciences and Labcorp Genetics (formerly Invitae), Labcorp); PubMed 26252218 (cited by Genetics Research Center, University of Social Welfare and Rehabilitation Sciences and Labcorp Genetics (formerly Invitae), Labcorp); PubMed 16283880 (cited by Genetics Research Center, University of Social Welfare and Rehabilitation Sciences and Labcorp Genetics (formerly Invitae), Labcorp); PubMed 33152970 (cited by Natera, Inc.); PubMed 34943614 (cited by Natera, Inc.); PubMed 23504402 (cited by Natera, Inc.).